The following is an entry in ClinVar:

ClinVar aggregate classification (germline): Uncertain significance (1 of 4 stars; one submission).

Allele frequency attached by ClinVar (database versions not stated): gnomAD 0.00001 and 0.00002; gnomAD exomes 0.00001; ExAC 0.00003; TOPMed 0.00003; 1000 Genomes Project 0.00020; 1000 Genomes Project 30x 0.00031.
gnomAD v4.1: 20 of 1,613,082 alleles (0.0012%); highest among the groups gnomAD compares: Middle Eastern, 0.034%; no homozygotes.

Submission:

Labcorp Genetics (formerly Invitae), Labcorp
Classification: Uncertain significance. Last evaluated: 2025-05-12. Review status: criteria provided, single submitter. Criteria: Invitae Variant Classification Sherloc (09022015). Collection method: clinical testing. Allele origin: germline.
Comment: This sequence change replaces proline, which is neutral and non-polar, with leucine, which is neutral and non-polar, at codon 38 of the PPP2R5D protein (p.Pro38Leu). This variant is present in population databases (rs200268619, gnomAD 0.01%). This variant has not been reported in the literature in individuals affected with PPP2R5D-related conditions. ClinVar contains an entry for this variant (Variation ID: 1379724). An algorithm developed to predict the effect of missense changes on protein structure and function (PolyPhen-2) suggests that this variant is likely to be tolerated. In summary, the available evidence is currently insufficient to determine the role of this variant in disease. Therefore, it has been classified as a Variant of Uncertain Significance.

NM_006245.4(PPP2R5D):c.113C>T (p.Pro38Leu)

Gene: PPP2R5D (protein phosphatase 2 regulatory subunit B'delta; plus strand). Cytogenetic location: 6p21.1.
Variant type: single nucleotide variant.
Coding change: c.113C>T on transcript NM_006245.4 (MANE Select); coding-DNA position 113, C replaced by T.
Protein change: p.Pro38Leu; replaces proline 38 with leucine.
Molecular consequence: missense variant. On other transcripts: 5 prime UTR variant (1), intron variant (1).
Genome position (GRCh38, 1-based): chr6:43,006,470, C>T. VCF-style: chr6-43006470-C-T. GRCh37 (hg19) VCF-style: chr6-42974208-C-T.
Other names: c.-341C>T (NM_001270476.2); c.113C>T, p.Pro38Leu (NM_180976.3); c.28-464C>T (NM_180977.3); short protein forms P38L.
Identifiers: ClinVar variation 1379724 (VCV001379724.6), dbSNP rs200268619, ClinGen allele CA3811750.
Genomic context (GRCh38, chr6:43,006,470, plus strand): 5'-GGTGGGAGGCATATCTTGGGAAGTGGATTTCAACAGGTGACTTGTTTGACCAGGCCCAGC[C>T]GCAGCCCCAGCCCCAGCCCCAGCCCCAAGCCCAGTCTCAGCCACCGTCATCCAACAAGCG-3'
Protein context (NP_006236.1, residues 28-48): GGGENTEEAQ[Pro38Leu]QPQPQPQPQA